The following is an entry in ClinVar:

NM_053025.4(MYLK):c.569C>G (p.Pro190Arg)

Gene: MYLK (myosin light chain kinase; minus strand). Cytogenetic location: 3q21.1.
Variant type: single nucleotide variant.
Coding change: c.569C>G on transcript NM_053025.4 (MANE Select); coding-DNA position 569, C replaced by G.
Protein change: p.Pro190Arg; replaces proline 190 with arginine.
Molecular consequence: missense variant.
Genome position (GRCh38, 1-based): chr3:123,738,916, G>C on the plus strand (C>G on the coding strand, the complement: MYLK is on the minus strand). VCF-style: chr3-123738916-G-C. GRCh37 (hg19) VCF-style: chr3-123457763-G-C.
Other names: c.41C>G, p.Pro14Arg (NM_001321309.2); c.569C>G, p.Pro190Arg (NM_053026.4, NM_053027.4, NM_053028.4); short protein forms P14R, P190R.
Identifiers: ClinVar variation 3618443 (VCV003618443.2).

ClinVar aggregate classification (germline): Uncertain significance (1 of 4 stars; one submission).

Conditions:
Aortic aneurysm, familial thoracic 7 (AAT7). Also called: AORTIC DISSECTION, FAMILIAL, WITH OR WITHOUT AORTIC ANEURYSM. Identifiers: MedGen C3151077, MONDO:0013418, OMIM 613780.

gnomAD v4.1: 8 of 1,611,654 alleles (0.0005%); highest among the groups gnomAD compares: Non-Finnish European, 0.00068%; no homozygotes.

Submission:

Labcorp Genetics (formerly Invitae), Labcorp
Classification: Uncertain significance for Aortic aneurysm, familial thoracic 7. Last evaluated: 2024-06-03. Review status: criteria provided, single submitter. Criteria: Invitae Variant Classification Sherloc (09022015). Collection method: clinical testing. Allele origin: germline.
Comment: This sequence change replaces proline, which is neutral and non-polar, with arginine, which is basic and polar, at codon 190 of the MYLK protein (p.Pro190Arg). This variant is not present in population databases (gnomAD no frequency). This variant has not been reported in the literature in individuals affected with MYLK-related conditions. Advanced modeling of protein sequence and biophysical properties (such as structural, functional, and spatial information, amino acid conservation, physicochemical variation, residue mobility, and thermodynamic stability) performed at Invitae indicates that this missense variant is not expected to disrupt MYLK protein function with a negative predictive value of 95%. In summary, the available evidence is currently insufficient to determine the role of this variant in disease. Therefore, it has been classified as a Variant of Uncertain Significance.